The following is an entry in ClinVar:

NM_017697.4(ESRP1):c.1833G>A (p.Ser611=)

Gene: ESRP1 (epithelial splicing regulatory protein 1; plus strand). Cytogenetic location: 8q22.1.
Variant type: single nucleotide variant.
Coding change: c.1833G>A on transcript NM_017697.4 (MANE Select); coding-DNA position 1833, G replaced by A.
Protein change: p.Ser611=; no amino-acid change (serine 611 retained).
Molecular consequence: synonymous variant. On other transcripts: intron variant (2).
Genome position (GRCh38, 1-based): chr8:94,692,689, G>A. VCF-style: chr8-94692689-G-A. GRCh37 (hg19) VCF-style: chr8-95704917-G-A.
Other names: c.1821G>A, p.Ser607= (NM_001034915.3, NM_001122826.2); c.1821-13236G>A (NM_001122825.2); c.1809-13236G>A (NM_001122827.2).
Identifiers: ClinVar variation 3057349 (VCV003057349.2), dbSNP rs367813636, ClinGen allele CA4812369.

ClinVar aggregate classification (germline): Likely benign (0 of 4 stars; one submission).

Conditions:
ESRP1-related disorder. Also called: ESRP1-related condition.

Allele frequency attached by ClinVar (database versions not stated): gnomAD exomes 0.00005; ExAC 0.00007; gnomAD 0.00023; TOPMed 0.00026; ESP Exome Variant Server 0.00042.
gnomAD v4.1: 117 of 1,613,502 alleles (0.0073%); highest among the groups gnomAD compares: African/African-American, 0.067%; no homozygotes.

Submission:

PreventionGenetics, part of Exact Sciences
Classification: Likely benign for ESRP1-related condition. Last evaluated: 2019-04-01. Review status: no assertion criteria provided. Collection method: clinical testing. Allele origin: germline.
Comment: This variant is classified as likely benign based on ACMG/AMP sequence variant interpretation guidelines (Richards et al. 2015 PMID: 25741868, with internal and published modifications).